The following is an entry in ClinVar:

ClinVar aggregate classification (germline): Uncertain significance (1 of 4 stars; one submission).

Conditions:
Fanconi anemia (FA). Also called: Fanconi's anemia. Identifiers: Orphanet 84, MedGen C0015625, MeSH D005199, MONDO:0019391.

gnomAD v4.1: 2 of 1,614,150 alleles (0.00012%); highest among the groups gnomAD compares: Admixed American, 0.0017%; no homozygotes.

Submission:

Labcorp Genetics (formerly Invitae), Labcorp
Classification: Uncertain significance for Fanconi anemia. Last evaluated: 2025-06-03. Review status: criteria provided, single submitter. Criteria: Invitae Variant Classification Sherloc (09022015). Collection method: clinical testing. Allele origin: germline.
Comment: This sequence change replaces valine, which is neutral and non-polar, with methionine, which is neutral and non-polar, at codon 276 of the FANCI protein (p.Val276Met). This variant is present in population databases (no rsID available, gnomAD 0.003%). This variant has not been reported in the literature in individuals affected with FANCI-related conditions. Invitae Evidence Modeling of protein sequence and biophysical properties (such as structural, functional, and spatial information, amino acid conservation, physicochemical variation, residue mobility, and thermodynamic stability) indicates that this missense variant is expected to disrupt FANCI protein function with a positive predictive value of 80%. In summary, the available evidence is currently insufficient to determine the role of this variant in disease. Therefore, it has been classified as a Variant of Uncertain Significance.

NM_001113378.2(FANCI):c.826G>A (p.Val276Met)

Gene: FANCI (FA complementation group I; plus strand). Cytogenetic location: 15q26.1.
Variant type: single nucleotide variant.
Coding change: c.826G>A on transcript NM_001113378.2 (MANE Select); coding-DNA position 826, G replaced by A.
Protein change: p.Val276Met; replaces valine 276 with methionine.
Molecular consequence: missense variant.
Genome position (GRCh38, 1-based): chr15:89,268,469, G>A. VCF-style: chr15-89268469-G-A. GRCh37 (hg19) VCF-style: chr15-89811700-G-A.
Other names: c.547G>A, p.Val183Met (NM_001376910.1); c.826G>A, p.Val276Met (NM_001376911.1, NM_018193.3); short protein forms V183M, V276M.
Identifiers: ClinVar variation 4745450 (VCV004745450.1).